The following is an entry in ClinVar:

NM_001267550.2(TTN):c.103043_103044insA (p.Thr34349fs)

Genes: TTN (titin; minus strand), TTN-AS1 (TTN antisense RNA 1; plus strand). Cytogenetic location: 2q31.2.
Variant type: Insertion.
Coding change: c.103043_103044insA on transcript NM_001267550.2 (MANE Select); coding-DNA positions 103043 to 103044, A inserted.
Protein change: p.Thr34349fs; shifts the reading frame from threonine 34349.
Molecular consequence: frameshift variant.
Genome position: GRCh38 VCF-style: chr2-178533571-C-CT. GRCh37 (hg19) VCF-style: chr2-179398298-C-CT.
Other names: c.98120_98121insA, p.Thr32708fs (NM_001256850.1); c.75848_75849insA, p.Thr25284fs (NM_003319.4); c.95339_95340insA, p.Thr31781fs (NM_133378.4); c.76223_76224insA, p.Thr25409fs (NM_133432.3); c.76424_76425insA, p.Thr25476fs (NM_133437.4); short protein forms T25284fs, T25476fs, T34349fs, T31781fs, T32708fs, T25409fs.
Identifiers: ClinVar variation 915542 (VCV000915542.8), dbSNP rs1690115787, ClinGen allele CA1139657392.

ClinVar aggregate classification (germline): Pathogenic/Likely pathogenic. Review status: criteria provided, multiple submitters, no conflicts (2 of 4 stars). 3 submissions from 3 submitters: Pathogenic (1); Likely pathogenic (2). Last evaluated 2025-07-23.

Conditions:
Autosomal recessive limb-girdle muscular dystrophy type 2J (LGMDR10). Also called: Limb-girdle muscular dystrophy, type 2J; MUSCULAR DYSTROPHY, LIMB-GIRDLE, AUTOSOMAL RECESSIVE 10. Identifiers: Orphanet 140922, MedGen C1837342, MONDO:0012127, OMIM 608807.
Dilated cardiomyopathy 1G (CMD1G). Identifiers: Orphanet 154, MedGen C1858763, MONDO:0011400, OMIM 604145.
TTN-related disorder. Also called: TTN-related condition; TTN-related disease; TTN-related disorders.
Cardiomyopathy (CMYO). Also called: Cardiomyopathies. Identifiers: Orphanet 167848, MedGen C0878544, MONDO:0004994, HP:0001638. Inheritance: Various modes of inheritance.

Allele frequency attached by ClinVar (database versions not stated): gnomAD exomes below 0.00001.

Submissions (3):

Labcorp Genetics (formerly Invitae), Labcorp
Classification: Likely pathogenic for Dilated cardiomyopathy 1G; Autosomal recessive limb-girdle muscular dystrophy type 2J. Last evaluated: 2025-07-23. Review status: criteria provided, single submitter. Criteria: Invitae Variant Classification Sherloc (09022015). Collection method: clinical testing. Allele origin: germline.
Comment: This sequence change creates a premature translational stop signal (p.Thr34349Aspfs*11) in the TTN gene. While this is not anticipated to result in nonsense mediated decay, it is expected to create a truncated TTN protein. This variant is not present in population databases (gnomAD no frequency). This variant has not been reported in the literature in individuals affected with TTN-related conditions. ClinVar contains an entry for this variant (Variation ID: 915542). This variant is located in the M band of TTN (PMID: 25589632). Truncating variants in this region have been previously reported in individuals affected with autosomal dominant or autosomal recessive myopathy and muscular dystrophy (PMID: 18948003, 23975875, 24395473). Truncating variants in this region have also been identified in individuals affected with autosomal dominant dilated cardiomyopathy and/or cardio-related conditions (PMID: 27869827, 32964742, internal data). In summary, the currently available evidence indicates that the variant is pathogenic, but additional data are needed to prove that conclusively. Therefore, this variant has been classified as Likely Pathogenic.

CHEO Genetics Diagnostic Laboratory, Children's Hospital of Eastern Ontario
Classification: Pathogenic for Cardiomyopathy. Last evaluated: 2021-06-21. Review status: criteria provided, single submitter. Criteria: ACMG Guidelines, 2015. Collection method: clinical testing. Allele origin: germline.

Blueprint Genetics
Classification: Likely pathogenic for TTN-related disorders. Last evaluated: 2021-04-14. Review status: criteria provided, single submitter. Criteria: ACMG Guidelines, 2015. Collection method: clinical testing. Allele origin: germline. Affected: yes. Observed: 1 variant allele.

Literature cited by the submitters: PubMed 25589632 (cited by Labcorp Genetics (formerly Invitae), Labcorp); PubMed 18948003 (cited by Labcorp Genetics (formerly Invitae), Labcorp); PubMed 23975875 (cited by Labcorp Genetics (formerly Invitae), Labcorp); PubMed 24395473 (cited by Labcorp Genetics (formerly Invitae), Labcorp); PubMed 27869827 (cited by Labcorp Genetics (formerly Invitae), Labcorp); PubMed 32964742 (cited by Labcorp Genetics (formerly Invitae), Labcorp).